The following is an entry in ClinVar:

NM_001873.4(CPE):c.934G>A (p.Gly312Arg)

Gene: CPE (carboxypeptidase E; plus strand). Cytogenetic location: 4q32.3.
Variant type: single nucleotide variant.
Coding change: c.934G>A on transcript NM_001873.4 (MANE Select); coding-DNA position 934, G replaced by A.
Protein change: p.Gly312Arg; replaces glycine 312 with arginine.
Molecular consequence: missense variant.
Genome position (GRCh38, 1-based): chr4:165,484,565, G>A. VCF-style: chr4-165484565-G-A. GRCh37 (hg19) VCF-style: chr4-166405717-G-A.
Other names: short protein forms G312R.
Identifiers: ClinVar variation 4985801 (VCV004985801.1).
Genomic context (GRCh38, chr4:165,484,565, plus strand): 5'-ATGTCTGACCCCAATCGGCCACCATGTCGCAAGAATGATGATGACAGCAGCTTTGTAGAT[G>A]GAACCACCAACGGTGGTGCTTGGTACAGCGTACCTGGAGGTGAGTTTCCATTGTGCTCTC-3'
Protein context (NP_001864.1, residues 302-322): KNDDDSSFVD[Gly312Arg]TTNGGAWYSV

ClinVar aggregate classification (germline): Uncertain significance (1 of 4 stars; one submission).

Conditions:
CPE-related disorder. Also called: CPE-related condition.

gnomAD v4.1: 14 of 1,613,970 alleles (0.00087%); highest among the groups gnomAD compares: Admixed American, 0.01%; no homozygotes.

Submission:

PreventionGenetics, part of Exact Sciences
Classification: Uncertain significance for CPE-related condition. Last evaluated: 2026-05-18. Review status: criteria provided, single submitter. Criteria: ACMG Guidelines, 2015. Collection method: clinical testing. Allele origin: germline.
Comment: The CPE c.934G>A variant is predicted to result in the amino acid substitution p.Gly312Arg. This variant has been reported in two patients with isolated, non-syndromic myelomeningocele (described as 4:166405717:G:A in Table S5 in Hebert et al. 2020. PubMed ID: 32970752). This variant is reported in 0.011% of alleles in individuals of Latino descent in gnomAD. At this time, the clinical significance of this variant is uncertain due to the absence of conclusive functional and genetic evidence.